The following is an entry in ClinVar:

ClinVar aggregate classification (germline): Pathogenic. Review status: criteria provided, single submitter (1 of 4 stars). 2 submissions from 2 submitters: Pathogenic (1). 1 of the submissions does not count toward it. Last evaluated 2024-01-11.

Conditions:
DRC1-related disorder. Also called: DRC1-related condition.
Primary ciliary dyskinesia. Also called: Ciliary dyskinesia. Identifiers: Orphanet 244, MedGen C0008780, MONDO:0016575, HP:0012265.

Allele frequency attached by ClinVar (database versions not stated): ExAC 0.00001; gnomAD exomes 0.00001 and 0.00002; TOPMed 0.00003.

Submissions (2):

Labcorp Genetics (formerly Invitae), Labcorp
Classification: Pathogenic for Primary ciliary dyskinesia. Last evaluated: 2024-01-11. Review status: criteria provided, single submitter. Criteria: Invitae Variant Classification Sherloc (09022015). Collection method: clinical testing. Allele origin: germline.
Comment: This sequence change creates a premature translational stop signal (p.Arg117Alafs*5) in the DRC1 gene. It is expected to result in an absent or disrupted protein product. Loss-of-function variants in DRC1 are known to be pathogenic (PMID: 23354437, 31960620). This variant is present in population databases (rs747358703, gnomAD 0.006%). This variant has not been reported in the literature in individuals affected with DRC1-related conditions. ClinVar contains an entry for this variant (Variation ID: 1457351). For these reasons, this variant has been classified as Pathogenic.

PreventionGenetics, part of Exact Sciences
Classification: Likely pathogenic for DRC1-related condition. Last evaluated: 2024-04-02. Review status: no assertion criteria provided. Collection method: clinical testing. Allele origin: germline. Not counted in ClinVar's aggregate classification.
Comment: The DRC1 c.344dupT variant is predicted to result in a frameshift and premature protein termination (p.Arg117Alafs*5). To our knowledge, this variant has not been reported in the literature in association with DRC1-related disease. This variant is reported in 0.0056% of alleles in individuals of Latino descent in gnomAD. Frameshift variants in DRC1 are expected to be pathogenic. We interpret this variant to be likely pathogenic.

Literature cited by the submitters: PubMed 23354437 (cited by Labcorp Genetics (formerly Invitae), Labcorp); PubMed 31960620 (cited by Labcorp Genetics (formerly Invitae), Labcorp).

NM_145038.5(DRC1):c.344dup (p.Arg117fs)

Gene: DRC1 (dynein regulatory complex subunit 1; plus strand). Cytogenetic location: 2p23.3.
Variant type: Duplication.
Coding change: c.344dup on transcript NM_145038.5 (MANE Select); coding-DNA position 344, one base duplicated (T; older notation c.344dupT).
Protein change: p.Arg117fs; shifts the reading frame from arginine 117.
Molecular consequence: frameshift variant.
Genome position (GRCh38, 1-based): chr2:26,421,388, T duplicated. VCF-style (leftmost placement, unchanged base first): chr2-26421387-A-AT. GRCh37 (hg19) VCF-style: chr2-26644255-A-AT.
Other names: c.344dupT (NM_145038.4); short protein forms R117fs.
Identifiers: ClinVar variation 1457351 (VCV001457351.9), dbSNP rs747358703, ClinGen allele CA1561834.